The following is an entry in ClinVar:

ClinVar aggregate classification (germline): Uncertain significance (1 of 4 stars; one submission).

Allele frequency attached by ClinVar (database versions not stated): gnomAD exomes below 0.00001; ExAC 0.00001.

Submission:

Ambry Genetics
Classification: Uncertain significance. Last evaluated: 2022-02-13. Review status: criteria provided, single submitter. Criteria: Ambry Variant Classification Scheme 2023. Collection method: clinical testing. Allele origin: germline.
Comment: The p.H156P variant (also known as c.467A>C), located in coding exon 6 of the RAD54L gene, results from an A to C substitution at nucleotide position 467. The histidine at codon 156 is replaced by proline, an amino acid with similar properties. This amino acid position is conserved. In addition, this alteration is predicted to be deleterious by in silico analysis. Since supporting evidence is limited at this time, the clinical significance of this alteration remains unclear.

NM_003579.4(RAD54L):c.467A>C (p.His156Pro)

Gene: RAD54L (RAD54 like; plus strand). Cytogenetic location: 1p34.1.
Variant type: single nucleotide variant.
Coding change: c.467A>C on transcript NM_003579.4 (MANE Select); coding-DNA position 467, A replaced by C.
Protein change: p.His156Pro; replaces histidine 156 with proline.
Molecular consequence: missense variant. On other transcripts: 5 prime UTR variant (1).
Genome position (GRCh38, 1-based): chr1:46,260,601, A>C. VCF-style: chr1-46260601-A-C. GRCh37 (hg19) VCF-style: chr1-46726273-A-C.
Other names: c.467A>C, p.His156Pro (NM_001142548.2); c.-74A>C (NM_001370766.1); short protein forms H156P.
Identifiers: ClinVar variation 1742371 (VCV001742371.2), dbSNP rs780246007, ClinGen allele CA834263.
Genomic context (GRCh38, chr1:46,260,601, plus strand): 5'-GGGAGAAACTCCCTGTCCATGTGGTTGTTGACCCTATTCTCAGTAAGGTTTTGCGGCCTC[A>C]TCAGAGAGAGGTAAATGAGGGTGAGGGGAACGAGGTATGGGCTATGGGCTGAGCCTGGGA-3'
Protein context (NP_003570.2, residues 146-166): DPILSKVLRP[His156Pro]QREGVKFLWE